The following is an entry in ClinVar:

ClinVar aggregate classification (germline): Pathogenic (1 of 4 stars; one submission).

Conditions:
Congenital adrenal hyperplasia. Identifiers: Orphanet 418, MedGen C0001627, MONDO:0018479, HP:0008258.

Submission:

Women's Health and Genetics/Laboratory Corporation of America, LabCorp
Classification: Pathogenic for Congenital adrenal hyperplasia. Last evaluated: 2023-07-12. Review status: criteria provided, single submitter. Criteria: LabCorp Variant Classification Summary - May 2015. Collection method: clinical testing. Allele origin: germline.
Comment: Variant summary: HSD3B2 c.733G>C (p.Ala245Pro) results in a non-conservative amino acid change located in the 3-beta hydroxysteroid dehydrogenase/isomerase domain (IPR002225) of the encoded protein sequence. Three of five in-silico tools predict a benign effect of the variant on protein function. The variant was absent in 250686 control chromosomes (gnomAD). c.733G>C has been reported in the literature in at least 3 homozygous individuals affected with Congenital Adrenal Hyperplasia, including individuals with non-salt wasting CAH (e.g., Guran_2020, Simard_1993). These data indicate that the variant is very likely to be associated with disease. Several publications report experimental evidence evaluating an impact on protein function, finding that the variant results in a 65-90% reduction in enzymatic activity relative to the wild type as well as protein instability (e.g., Simard_1993, Simard_1995, Moisan_1999). The following publications have been ascertained in the context of this evaluation (PMID: 31950145, 10599696, 7626445, 8316254). No submitters have reported clinical-significance assessments for this variant to ClinVar after 2014. Based on the evidence outlined above, the variant was classified as pathogenic.

Literature cited by the submitters: PubMed 7626445; PubMed 8316254; PubMed 10599696; PubMed 31950145.

NM_000198.4(HSD3B2):c.733G>C (p.Ala245Pro)

Gene: HSD3B2 (hydroxy-delta-5-steroid dehydrogenase, 3 beta- and steroid delta-isomerase 2; plus strand). Cytogenetic location: 1p12.
Variant type: single nucleotide variant.
Coding change: c.733G>C on transcript NM_000198.4 (MANE Select); coding-DNA position 733, G replaced by C.
Protein change: p.Ala245Pro; replaces alanine 245 with proline.
Molecular consequence: missense variant.
Genome position (GRCh38, 1-based): chr1:119,422,234, G>C. VCF-style: chr1-119422234-G-C. GRCh37 (hg19) VCF-style: chr1-119964857-G-C.
Other names: c.733G>C, p.Ala245Pro (NM_001166120.2); short protein forms A245P.
Identifiers: ClinVar variation 2577239 (VCV002577239.1), dbSNP rs1248094870, ClinGen allele CA341398177.